The following is an entry in ClinVar:

NM_001853.4(COL9A3):c.1457G>A (p.Ser486Asn)

Genes: COL9A3 (collagen type IX alpha 3 chain; plus strand), LOC126863084 (MED14-independent group 3 enhancer GRCh37_chr20:61467141-61468340; plus strand). Cytogenetic location: 20q13.33.
Variant type: single nucleotide variant.
Coding change: c.1457G>A on transcript NM_001853.4 (MANE Select); coding-DNA position 1457, G replaced by A.
Protein change: p.Ser486Asn; replaces serine 486 with asparagine.
Molecular consequence: missense variant.
Genome position (GRCh38, 1-based): chr20:62,836,242, G>A. VCF-style: chr20-62836242-G-A. GRCh37 (hg19) VCF-style: chr20-61467594-G-A.
Other names: short protein forms S486N.
Identifiers: ClinVar variation 1437161 (VCV001437161.7), dbSNP rs2147227451, ClinGen allele CA409597125.
Genomic context (GRCh38, chr20:62,836,242, plus strand): 5'-TGCAGTCTGGCAGTCGAGGGGAGCTGGGCCCCAAAGGCACCCAGGGTCCCAACGGCACCA[G>A]CGGTGTTCAGGGTGTCCCCGGGCCCCCCGGTCCTCTGGGCCTGCAGGGCGTCCCGGGTGT-3'
Protein context (NP_001844.3, residues 476-496): PKGTQGPNGT[Ser486Asn]GVQGVPGPPG

ClinVar aggregate classification (germline): Uncertain significance. Review status: criteria provided, multiple submitters, no conflicts (2 of 4 stars). 2 submissions from 2 submitters: Uncertain significance (2). Last evaluated 2026-01-30.

Allele frequency attached by ClinVar (database versions not stated): gnomAD exomes 0.00001.
gnomAD v4.1: 3 of 1,613,740 alleles (0.00019%); highest among the groups gnomAD compares: South Asian, 0.0011%; no homozygotes.

Submissions (2):

Labcorp Genetics (formerly Invitae), Labcorp
Classification: Uncertain significance. Last evaluated: 2026-01-30. Review status: criteria provided, single submitter. Criteria: Invitae Variant Classification Sherloc (09022015). Collection method: clinical testing. Allele origin: germline.
Comment: This sequence change replaces serine, which is neutral and polar, with asparagine, which is neutral and polar, at codon 486 of the COL9A3 protein (p.Ser486Asn). This variant is not present in population databases (gnomAD no frequency). This variant has not been reported in the literature in individuals affected with COL9A3-related conditions. ClinVar contains an entry for this variant (Variation ID: 1437161). Invitae Evidence Modeling of protein sequence and biophysical properties (such as structural, functional, and spatial information, amino acid conservation, physicochemical variation, residue mobility, and thermodynamic stability) indicates that this missense variant is not expected to disrupt COL9A3 protein function with a negative predictive value of 95%. In summary, the available evidence is currently insufficient to determine the role of this variant in disease. Therefore, it has been classified as a Variant of Uncertain Significance.

GeneDx
Classification: Uncertain significance. Last evaluated: 2022-05-26. Review status: criteria provided, single submitter. Criteria: GeneDx Variant Classification Process June 2021. Collection method: clinical testing. Allele origin: germline. Affected: yes.
Comment: Has not been previously published as pathogenic or benign to our knowledge; Not observed at significant frequency in large population cohorts (gnomAD); In silico analysis supports that this missense variant does not alter protein structure/function